The following is an entry in ClinVar:

NM_007294.4(BRCA1):c.5075-6C>T

Gene: BRCA1 (BRCA1 DNA repair associated; minus strand). Cytogenetic location: 17q21.31.
Variant type: single nucleotide variant.
Coding change: c.5075-6C>T on transcript NM_007294.4 (MANE Select); 6 bases into the intron before coding-DNA position 5075, C replaced by T.
Molecular consequence: intron variant.
Genome position (GRCh38, 1-based): chr17:43,063,957, G>A on the plus strand (C>T on the coding strand, the complement: BRCA1 is on the minus strand). VCF-style: chr17-43063957-G-A. GRCh37 (hg19) VCF-style: chr17-41215974-G-A.
Other names: c.4946-6C>T (NM_001407681.1, NM_001407687.1, NM_001407941.1 and 6 more transcripts); c.4949-6C>T (NM_001407675.1, NM_001407680.1, NM_001407672.1 and 10 more transcripts); c.4952-6C>T (NM_001407664.1, NM_001407666.1, NM_001407919.1 and 6 more transcripts); c.5018-6C>T (NM_001407648.1); c.1649-6C>T (NM_001408419.1, NM_001408418.1, NM_001408420.1); c.1760-6C>T (NM_001408403.1, NM_001408398.1, NM_001408400.1 and 8 more transcripts); c.1763-6C>T (NM_001407983.1, NM_001407992.1, NM_001407981.1 and 12 more transcripts); c.1766-6C>T (NM_001407975.1, NM_001407978.1, NM_001407977.1 and 3 more transcripts); and 73 more.
Identifiers: ClinVar variation 511366 (VCV000511366.13), dbSNP rs397507240, ClinGen allele CA658798075.

ClinVar aggregate classification (germline): Likely benign. Review status: criteria provided, multiple submitters, no conflicts (2 of 4 stars). 3 submissions from 3 submitters: Likely benign (3). Last evaluated 2024-09-04.

Conditions:
Hereditary breast ovarian cancer syndrome. Also called: Breast and ovarian cancer; Hereditary breast and/or ovarian cancer syndrome; BRCA1- and BRCA2-Associated Hereditary Breast and Ovarian Cancer; Hereditary breast and ovarian cancer syndrome; Hereditary breast and ovarian cancer syndrome (HBOC); Hereditary breast and ovarian cancer. Identifiers: Orphanet 145, MedGen C0677776, MeSH D061325, MONDO:0003582. Disease mechanism: loss of function.
Hereditary cancer-predisposing syndrome. Also called: Tumor predisposition; Hereditary Cancer Syndrome; Hereditary neoplastic syndrome; Neoplastic Syndromes, Hereditary. Identifiers: Orphanet 140162, MedGen C0027672, MeSH D009386, MONDO:0015356.

Submissions (4):

Color Diagnostics, LLC DBA Color Health
Classification: Likely benign for Hereditary cancer-predisposing syndrome. Last evaluated: 2024-09-04. Review status: criteria provided, single submitter. Criteria: ACMG Guidelines, 2015. Collection method: clinical testing. Allele origin: germline.

Labcorp Genetics (formerly Invitae), Labcorp
Classification: Likely benign for Hereditary breast ovarian cancer syndrome. Last evaluated: 2023-12-08. Review status: criteria provided, single submitter. Criteria: Invitae Variant Classification Sherloc (09022015). Collection method: clinical testing. Allele origin: germline.

GeneDx
Classification: Likely benign. Last evaluated: 2017-08-07. Review status: criteria provided, single submitter. Criteria: GeneDx Variant Classification (06012015). Collection method: clinical testing. Allele origin: germline. Affected: yes.
Comment: This variant is considered likely benign or benign based on one or more of the following criteria: it is a conservative change, it occurs at a poorly conserved position in the protein, it is predicted to be benign by multiple in silico algorithms, and/or has population frequency not consistent with disease.

Brotman Baty Institute, University of Washington
No classification provided (evidence only). Condition: Breast-ovarian cancer, familial 1. Review status: no classification provided. Collection method: in vitro. Allele origin: not applicable. Functional consequence: functionally_normal. Not counted in ClinVar's aggregate classification.
ClinVar note: "not provided" was previously submitted as the classification for the variant. However, the classification appeared to be based only on an observation of functional data so it was converted to no classification on 2025-07-30.